The following is an entry in ClinVar:

ClinVar aggregate classification (germline): Uncertain significance (1 of 4 stars; one submission).

Conditions:
Frontotemporal dementia and/or amyotrophic lateral sclerosis 6 (FTDALS6). Also called: VCP-Related Amyotrophic Lateral Sclerosis/Frontotemporal Dementia; VCP-Related Amyotrophic Lateral Sclerosis. Identifiers: Orphanet 275872, Orphanet 803, MedGen C5436279, MONDO:0013501, OMIM 613954.
Inclusion body myopathy with Paget disease of bone and frontotemporal dementia. Also called: Inclusion body myopathy with early-onset Paget disease and frontotemporal dementia. Identifiers: Orphanet 52430, MedGen C1833662, MONDO:0000507.

Submission:

Labcorp Genetics (formerly Invitae), Labcorp
Classification: Uncertain significance for Inclusion body myopathy with Paget disease of bone and frontotemporal dementia; Frontotemporal dementia and/or amyotrophic lateral sclerosis 6. Last evaluated: 2025-11-25. Review status: criteria provided, single submitter. Criteria: Invitae Variant Classification Sherloc (09022015). Collection method: clinical testing. Allele origin: germline.
Comment: This sequence change replaces aspartic acid, which is acidic and polar, with valine, which is neutral and non-polar, at codon 107 of the VCP protein (p.Asp107Val). This variant is not present in population databases (gnomAD no frequency). This variant has not been reported in the literature in individuals affected with VCP-related conditions. ClinVar contains an entry for this variant (Variation ID: 575232). Invitae Evidence Modeling of protein sequence and biophysical properties (such as structural, functional, and spatial information, amino acid conservation, physicochemical variation, residue mobility, and thermodynamic stability) indicates that this missense variant is not expected to disrupt VCP protein function with a negative predictive value of 80%. In summary, the available evidence is currently insufficient to determine the role of this variant in disease. Therefore, it has been classified as a Variant of Uncertain Significance.

NM_007126.5(VCP):c.320A>T (p.Asp107Val)

Gene: VCP (valosin containing protein; minus strand). Cytogenetic location: 9p13.3.
Variant type: single nucleotide variant.
Coding change: c.320A>T on transcript NM_007126.5 (MANE Select); coding-DNA position 320, A replaced by T.
Protein change: p.Asp107Val; replaces aspartic acid 107 with valine.
Molecular consequence: missense variant.
Genome position (GRCh38, 1-based): chr9:35,066,800, T>A on the plus strand (A>T on the coding strand, the complement: VCP is on the minus strand). VCF-style: chr9-35066800-T-A. GRCh37 (hg19) VCF-style: chr9-35066797-T-A.
Other names: c.185A>T, p.Asp62Val (NM_001354927.2, NM_001354928.2); short protein forms D107V, D62V.
Identifiers: ClinVar variation 575232 (VCV000575232.8), dbSNP rs1563980440, ClinGen allele CA373292638.